The following is an entry in ClinVar:

ClinVar aggregate classification (germline): Pathogenic (1 of 4 stars; one submission).

Conditions:
Kleefstra syndrome 1 (KLEFS1). Identifiers: Orphanet 261494, MedGen C0795833, MONDO:0027407, OMIM 610253.

Submission:

Laboratory of Genetics, Children's Clinical University Hospital Latvia
Classification: Pathogenic for Kleefstra syndrome 1. Review status: criteria provided, single submitter. Criteria: ACMG Guidelines, 2015. Collection method: curation. Allele origin: de novo. Affected: yes.
Comment: de novo

Literature cited by the submitters: PubMed 39013458.

NM_024757.5(EHMT1):c.2732A>G (p.His911Arg)

Gene: EHMT1 (euchromatic histone lysine methyltransferase 1; plus strand). Cytogenetic location: 9q34.3.
Variant type: single nucleotide variant.
Coding change: c.2732A>G on transcript NM_024757.5 (MANE Select); coding-DNA position 2732, A replaced by G.
Protein change: p.His911Arg; replaces histidine 911 with arginine.
Molecular consequence: missense variant.
Genome position (GRCh38, 1-based): chr9:137,811,480, A>G. VCF-style: chr9-137811480-A-G. GRCh37 (hg19) VCF-style: chr9-140705932-A-G.
Other names: c.2711A>G, p.His904Arg (NM_001354263.2); short protein forms H904R, H911R.
Identifiers: ClinVar variation 3236901 (VCV003236901.1).